The following is an entry in ClinVar:

ClinVar aggregate classification (germline): Uncertain significance (1 of 4 stars; one submission).

Conditions:
Inborn genetic diseases. Identifiers: MedGen C0950123, MeSH D030342.

Submission:

Ambry Genetics
Classification: Uncertain significance for Inborn genetic diseases. Last evaluated: 2026-02-28. Review status: criteria provided, single submitter. Criteria: Ambry Variant Classification Scheme 2023. Collection method: clinical testing. Allele origin: germline.
Comment: The p.T482I variant (also known as c.1445C>T), located in coding exon 1 of the SAMD9 gene, results from a C to T substitution at nucleotide position 1445. The threonine at codon 482 is replaced by isoleucine, an amino acid with similar properties. This amino acid position is conserved. In addition, this alteration is predicted to be tolerated by in silico analysis. Based on the available evidence, the clinical significance of this variant remains unclear.

NM_017654.4(SAMD9):c.1445C>T (p.Thr482Ile)

Gene: SAMD9 (sterile alpha motif domain containing 9; minus strand). Cytogenetic location: 7q21.2.
Variant type: single nucleotide variant.
Coding change: c.1445C>T on transcript NM_017654.4 (MANE Select); coding-DNA position 1445, C replaced by T.
Protein change: p.Thr482Ile; replaces threonine 482 with isoleucine.
Molecular consequence: missense variant.
Genome position (GRCh38, 1-based): chr7:93,104,653, G>A on the plus strand (C>T on the coding strand, the complement: SAMD9 is on the minus strand). VCF-style: chr7-93104653-G-A. GRCh37 (hg19) VCF-style: chr7-92733966-G-A.
Other names: c.1445C>T, p.Thr482Ile (NM_001193307.2); short protein forms T482I.
Identifiers: ClinVar variation 4827007 (VCV004827007.1).